The following is an entry in ClinVar:

NM_000071.3(CBS):c.738del

Gene: CBS (cystathionine beta-synthase; minus strand). Cytogenetic location: 21q22.3.
Variant type: Deletion.
Coding change: c.738del on transcript NM_000071.3 (MANE Select); coding-DNA position 738, one base deleted (G; older notation c.738delG).
Molecular consequence: splice acceptor variant.
Genome position (GRCh38, 1-based): chr21:43,063,990, C deleted on the plus strand (G on the coding strand, the reverse complement: CBS is on the minus strand); the first of 3 consecutive C bases (chr21:43,063,990-43,063,992); deleting any one gives the same sequence. VCF-style (leftmost placement, unchanged base first): chr21-43063989-TC-T. GRCh37 (hg19) VCF-style: chr21-44484099-TC-T.
Identifiers: ClinVar variation 370105 (VCV000370105.17), dbSNP rs766453711, ClinGen allele CA16042001.
Genomic context (GRCh38, chr21:43,063,989, plus strand): 5'-TCCTGGCAATGCCCGTGATGGTGCCGCCCGTGCCCACTGAAGCCACCAGCATGTCCAGCT[TC>T]CCTGGTGGACGGATAACATTCTTGGGTCCCTGCCTGGCCAGCCCATCACTCATAGTAATA-3'

ClinVar aggregate classification (germline): Pathogenic. Review status: criteria provided, multiple submitters, no conflicts (2 of 4 stars). 6 submissions from 6 submitters: Pathogenic (5). 1 of the submissions does not count toward it. Last evaluated 2025-11-10.

Conditions:
Classic homocystinuria. Also called: HOMOCYSTINURIA WITH OR WITHOUT RESPONSE TO PYRIDOXINE; Homocystinuria due to CBS deficiency; Cystathionine beta-synthase deficiency; CBS deficiency; Homocystinuria due to Cystathionine Beta-Synthase Deficiency. Identifiers: Orphanet 394, MedGen C0751202, MONDO:0009352, OMIM 236200.
HYPERHOMOCYSTEINEMIA, THROMBOTIC, CBS-RELATED. Identifiers: MedGen C3150344, OMIM 236200.
Familial thoracic aortic aneurysm and aortic dissection (TAAD). Also called: Thoracic aortic aneurysms and dissections. Identifiers: Orphanet 91387, MedGen C4707243, MONDO:0019625.

Submissions (6):

Labcorp Genetics (formerly Invitae), Labcorp
Classification: Pathogenic for HYPERHOMOCYSTEINEMIA, THROMBOTIC, CBS-RELATED. Last evaluated: 2025-11-10. Review status: criteria provided, single submitter. Criteria: Invitae Variant Classification Sherloc (09022015). Collection method: clinical testing. Allele origin: germline.
Comment: This sequence change creates a premature translational stop signal (p.Lys247Serfs*22) in the CBS gene. It is expected to result in an absent or disrupted protein product. Loss-of-function variants in CBS are known to be pathogenic (PMID: 10338090, 12124992). This variant is present in population databases (rs766453711, gnomAD 0.007%). This variant has not been reported in the literature in individuals affected with CBS-related conditions. ClinVar contains an entry for this variant (Variation ID: 370105). For these reasons, this variant has been classified as Pathogenic.

Ambry Genetics
Classification: Pathogenic for Familial thoracic aortic aneurysm and aortic dissection. Last evaluated: 2025-09-02. Review status: criteria provided, single submitter. Criteria: Ambry Variant Classification Scheme 2023. Collection method: clinical testing. Allele origin: germline.
Comment: The c.738delG pathogenic mutation, located in coding exon 7 of the CBS gene, results from a deletion of one nucleotide at nucleotide position 738, causing a translational frameshift with a predicted alternate stop codon (p.K247Sfs*22). This variant has been identified in the homozygous state and/or in conjunction with other CBS variant(s) in individual(s) with classic homocystinuria (Allen J et al. JIMD Rep, 2019 May;47:41-46). This variant is considered to be rare based on population cohorts in the Genome Aggregation Database (gnomAD). This alteration is expected to result in loss of function by premature protein truncation or nonsense-mediated mRNA decay. As such, this alteration is interpreted as a disease-causing mutation.

ARUP Laboratories, Molecular Genetics and Genomics, ARUP Laboratories
Classification: Pathogenic. Last evaluated: 2025-06-12. Review status: criteria provided, single submitter. Criteria: ARUP Molecular Germline Variant Investigation Process 2024. Collection method: clinical testing. Allele origin: germline.
Comment: The CBS c.738del; p.Lys247SerfsTer22 variant (rs766453711) is reported in the literature in an individual with homocystinuria that carried an additional pathogenic variant (Allen 2019). This variant is reported in ClinVar (Variation ID: 370105) and is only observed on two alleles in the Genome Aggregation Database (v2.1.1), indicating it is not a common polymorphism. Additionally, several downstream truncating variants have been described in individuals with homocystinuria and are considered pathogenic (Kraus 1999). The p.Lys247SerfsTer22 variant causes a frameshift by deleting a single nucleotide, so it is predicted to result in a truncated protein or mRNA subject to nonsense-mediated decay. Based on available information, this variant is considered to be pathogenic. References: Allen J et al. Plasma methionine concentrations and incidence of hypermethioninemic encephalopathy during infancy in a large cohort of 36 patients with classical homocystinuria in the Republic of Ireland. JIMD Rep. 2019 Mar 26;47(1):41-46. PMID: 31240166. Kraus JP et al. Cystathionine beta-synthase mutations in homocystinuria. Hum Mutat. 1999;13(5):362-75. PMID: 10338090.

Natera, Inc.
Classification: Pathogenic for Homocystinuria due to cystathionine beta-synthase deficiency. Last evaluated: 2025-05-05. Review status: criteria provided, single submitter. Criteria: Natera Variant Classification Schema (03/2026). Collection method: clinical testing. Allele origin: germline.
Comment: The c.738delG variant in CBS is a frameshift variant predicted to shift the reading frame beginning at codon 247 and leads to a stop codon 22 codons downstream. This variant is expected to result in nonsense mediated decay, truncation, or a dysfunctional protein product. This variant is rare in the general population with a frequency below the threshold expected for the associated phenotype(s). This variant has been observed in one or more individuals affected with the associated recessive disease, as either homozygous or compound heterozygous with a second variant (PMID: 31240166). Given the available evidence, this variant is classified as Pathogenic.

Baylor Genetics
Classification: Pathogenic for Classic homocystinuria. Last evaluated: 2024-03-20. Review status: criteria provided, single submitter. Criteria: ACMG Guidelines, 2015. Collection method: clinical testing. Allele origin: unknown.

Counsyl
Classification: Likely pathogenic for Classic homocystinuria. Last evaluated: 2015-11-18. Review status: no assertion criteria provided. Collection method: clinical testing. Allele origin: unknown. Not counted in ClinVar's aggregate classification.

Literature cited by the submitters: PubMed 10338090 (cited by Labcorp Genetics (formerly Invitae), Labcorp); PubMed 12124992 (cited by Labcorp Genetics (formerly Invitae), Labcorp); PubMed 31240166 (cited by Ambry Genetics and Natera, Inc.).